The following is an entry in ClinVar:

ClinVar aggregate classification (germline): Uncertain significance. Review status: criteria provided, multiple submitters, no conflicts (2 of 4 stars). 2 submissions from 2 submitters: Uncertain significance (2). Last evaluated 2024-05-30.

Allele frequency attached by ClinVar (database versions not stated): TOPMed below 0.00001; ExAC 0.00001; gnomAD 0.00001.
gnomAD v4.1: 1 of 1,614,050 alleles (0.000062%); highest among the groups gnomAD compares: African/African-American, 0.0013%; no homozygotes.

Submissions (2):

Blueprint Genetics
Classification: Uncertain significance. Last evaluated: 2024-05-30. Review status: criteria provided, single submitter. Criteria: ACMG Guidelines, 2015. Collection method: clinical testing. Allele origin: germline.

Labcorp Genetics (formerly Invitae), Labcorp
Classification: Uncertain significance. Last evaluated: 2022-09-01. Review status: criteria provided, single submitter. Criteria: Invitae Variant Classification Sherloc (09022015). Collection method: clinical testing. Allele origin: germline.
Comment: This variant has not been reported in the literature in individuals affected with RTN4IP1-related conditions. ClinVar contains an entry for this variant (Variation ID: 1520631). Algorithms developed to predict the effect of missense changes on protein structure and function (SIFT, PolyPhen-2, Align-GVGD) all suggest that this variant is likely to be tolerated. In summary, the available evidence is currently insufficient to determine the role of this variant in disease. Therefore, it has been classified as a Variant of Uncertain Significance. This sequence change replaces methionine, which is neutral and non-polar, with valine, which is neutral and non-polar, at codon 63 of the RTN4IP1 protein (p.Met63Val). This variant is present in population databases (rs765442352, gnomAD 0.007%).

NM_032730.5(RTN4IP1):c.187A>G (p.Met63Val)

Gene: RTN4IP1 (reticulon 4 interacting protein 1; minus strand). Cytogenetic location: 6q21.
Variant type: single nucleotide variant.
Coding change: c.187A>G on transcript NM_032730.5 (MANE Select); coding-DNA position 187, A replaced by G.
Protein change: p.Met63Val; replaces methionine 63 with valine.
Molecular consequence: missense variant. On other transcripts: intron variant (1).
Genome position (GRCh38, 1-based): chr6:106,628,835, T>C on the plus strand (A>G on the coding strand, the complement: RTN4IP1 is on the minus strand). VCF-style: chr6-106628835-T-C. GRCh37 (hg19) VCF-style: chr6-107076710-T-C.
Other names: c.-27+1492A>G (NM_001318746.1); short protein forms M63V.
Identifiers: ClinVar variation 1520631 (VCV001520631.9), dbSNP rs765442352, ClinGen allele CA3944577.